The following is an entry in ClinVar:

ClinVar aggregate classification (germline): Conflicting classifications of pathogenicity. Review status: criteria provided, conflicting classifications (1 of 4 stars). 2 submissions from 2 submitters: Pathogenic (1); Uncertain significance (1). Last evaluated 2025-03-18.

Conditions:
Ehlers-Danlos syndrome, type 4 (EDSVASC). Also called: Ehlers-Danlos syndrome vascular type; Ehlers Danlos syndrome, ecchymotic type; Ehlers Danlos syndrome, arterial type; Ehlers Danlos syndrome, Sack-Barabas type; Ehlers-Danlos Syndrome Type IV. Identifiers: Orphanet 286, MedGen C0268338, MONDO:0017314, OMIM 130050.
COL3A1-related disorder. Also called: COL3A1-related condition.

Submissions (2):

Labcorp Genetics (formerly Invitae), Labcorp
Classification: Uncertain significance for Ehlers-Danlos syndrome, type 4. Last evaluated: 2025-03-18. Review status: criteria provided, single submitter. Criteria: Invitae Variant Classification Sherloc (09022015). Collection method: clinical testing. Allele origin: germline.
Comment: This sequence change falls in intron 19 of the COL3A1 gene. It does not directly change the encoded amino acid sequence of the COL3A1 protein. It affects a nucleotide within the consensus splice site. This variant is not present in population databases (gnomAD no frequency). This variant has not been reported in the literature in individuals affected with COL3A1-related conditions. Variants that disrupt the consensus splice site are a relatively common cause of aberrant splicing (PMID: 17576681, 9536098). Algorithms developed to predict the effect of sequence changes on RNA splicing suggest that this variant may disrupt the consensus splice site. In summary, the available evidence is currently insufficient to determine the role of this variant in disease. Therefore, it has been classified as a Variant of Uncertain Significance.

Blueprint Genetics
Classification: Pathogenic for COL3A1-related disorders. Last evaluated: 2024-10-03. Review status: criteria provided, single submitter. Criteria: ACMG Guidelines, 2015. Collection method: clinical testing. Allele origin: germline. Affected: yes. Observed: 3 variant alleles.

Literature cited by the submitters: PubMed 17576681 (cited by Labcorp Genetics (formerly Invitae), Labcorp); PubMed 9536098 (cited by Labcorp Genetics (formerly Invitae), Labcorp).

NM_000090.4(COL3A1):c.1347+2dup

Gene: COL3A1 (collagen type III alpha 1 chain; plus strand). Cytogenetic location: 2q32.2.
Variant type: Duplication.
Coding change: c.1347+2dup on transcript NM_000090.4 (MANE Select); the canonical splice donor site of the intron after coding-DNA position 1347, one base duplicated (T; older notation c.1347+2dupT).
Molecular consequence: splice donor variant.
Genome position (GRCh38, 1-based): chr2:188,994,596, T duplicated. VCF-style (leftmost placement, unchanged base first): chr2-188994595-G-GT. GRCh37 (hg19) VCF-style: chr2-189859321-G-GT.
Identifiers: ClinVar variation 4714788 (VCV004714788.2).